The following is an entry in ClinVar:

NM_000213.5(ITGB4):c.*25C>T

Genes: GALK1 (galactokinase 1; minus strand), ITGB4 (integrin subunit beta 4; plus strand). Cytogenetic location: 17q25.1.
Variant type: single nucleotide variant.
Coding change: c.*25C>T on transcript NM_000213.5 (MANE Select); 25 bases downstream of the stop codon, C replaced by T.
Molecular consequence: 3 prime UTR variant. On other transcripts: intron variant (1).
Genome position (GRCh38, 1-based): chr17:75,757,580, C>T. VCF-style: chr17-75757580-C-T. GRCh37 (hg19) VCF-style: chr17-73753661-C-T.
Other names: c.*25C>T (NM_001005731.3, NM_001321123.2, NM_001438834.1 and 1 more transcripts); c.*22+454G>A (NM_001381985.1).
Identifiers: ClinVar variation 325219 (VCV000325219.11), dbSNP rs9367, ClinGen allele CA8770630.
Genomic context (GRCh38, chr17:75,757,580, plus strand): 5'-AGCACCCACATGGACCAACAGTTCTTCCAAACTTGACCGCACCCTGCCCCACCCCCGCCA[C>T]GTCCCACTAGGCGTCCTCCCGACTCCTCTCCCGGAGCCTCCTCAGCTACTCCATCCTTGC-3'

ClinVar aggregate classification (germline): Benign. Review status: criteria provided, multiple submitters, no conflicts (2 of 4 stars). 6 submissions from 4 submitters: Benign (6). Last evaluated 2021-08-19.

Conditions:
Junctional epidermolysis bullosa, non-Herlitz type. Also called: EPIDERMOLYSIS BULLOSA, JUNCTIONAL 1A, INTERMEDIATE; EPIDERMOLYSIS BULLOSA JUNCTIONALIS, DISENTIS TYPE; EPIDERMOLYSIS BULLOSA JUNCTIONALIS, NON-HERLITZ TYPE; EPIDERMOLYSIS BULLOSA JUNCTIONALIS, PROGRESSIVE; EPIDERMOLYSIS BULLOSA JUNCTIONALIS, SEVERE NONLETHAL; COL17A1-Related Junctional Epidermolysis Bullosa. Identifiers: Orphanet 251393, Orphanet 79402, Orphanet 79405, Orphanet 89840, MedGen C0268374, MONDO:0009180, OMIM 226650.
Junctional epidermolysis bullosa with pyloric atresia. Also called: EPIDERMOLYSIS BULLOSA, JUNCTIONAL 5B, WITH PYLORIC ATRESIA; Junctional Epidermolysis Bullosa- Pyloric Atresia Syndrome; APLASIA CUTIS CONGENITA WITH GASTROINTESTINAL ATRESIA; CARMI SYNDROME; EB-PA-ACC; ITGB4-Related Epidermolysis Bullosa with Pyloric Atresia. Identifiers: Orphanet 79403, MedGen C5676875, MONDO:0009183, OMIM 226730.
Epidermolysis bullosa simplex 1C, localized. Also called: Epidermolysis Bullosa Simplex, Weber-Cockayne Type; Localized epidermolysis bullosa simplex; EBS, ACRAL FORM; EPIDERMOLYSIS BULLOSA OF HANDS AND FEET; Weber-Cockayne Syndrome. Identifiers: Orphanet 79400, MedGen C0080333, MONDO:0007551, OMIM 131800.

Allele frequency attached by ClinVar (database versions not stated): 1000 Genomes Project 0.65296; gnomAD 0.71421 and 0.71419; gnomAD exomes 0.74444 and 0.78442; 1000 Genomes Project 30x 0.65162; ESP Exome Variant Server 0.70952; TOPMed 0.70380; ExAC 0.73790.
gnomAD v4.1: 1,253,423 of 1,612,750 alleles (78%); highest among the groups gnomAD compares: Non-Finnish European, 81%; 491,937 homozygotes.

Submissions (6):

Genome-Nilou Lab
Classification: Benign for Epidermolysis bullosa simplex 1C, localized. Last evaluated: 2021-08-19. Review status: criteria provided, single submitter. Criteria: ACMG Guidelines, 2015. Collection method: clinical testing. Allele origin: germline. Affected: no.

Genome-Nilou Lab
Classification: Benign for Junctional epidermolysis bullosa, non-Herlitz type. Last evaluated: 2021-08-19. Review status: criteria provided, single submitter. Criteria: ACMG Guidelines, 2015. Collection method: clinical testing. Allele origin: germline. Affected: no.

Genome-Nilou Lab
Classification: Benign for Junctional epidermolysis bullosa with pyloric atresia. Last evaluated: 2021-08-19. Review status: criteria provided, single submitter. Criteria: ACMG Guidelines, 2015. Collection method: clinical testing. Allele origin: germline. Affected: no.

Illumina Laboratory Services, Illumina
Classification: Benign for Junctional epidermolysis bullosa with pyloric atresia. Last evaluated: 2018-01-13. Review status: criteria provided, single submitter. Criteria: ICSL Variant Classification Criteria 13 December 2019. Collection method: clinical testing. Allele origin: germline.
Comment: This variant was observed in the ICSL laboratory as part of a predisposition screen in an ostensibly healthy population. It had not been previously curated by ICSL or reported in the Human Gene Mutation Database (HGMD: prior to June 1st, 2018), and was therefore a candidate for classification through an automated scoring system. Utilizing variant allele frequency, disease prevalence and penetrance estimates, and inheritance mode, an automated score was calculated to assess if this variant is too frequent to cause the disease. Based on the score and internal cut-off values, a variant classified as benign is not then subjected to further curation. The score for this variant resulted in a classification of benign for this disease.

GeneDx
Classification: Benign. Last evaluated: 2015-03-03. Review status: criteria provided, single submitter. Criteria: GeneDx Variant Classification Process June 2021. Collection method: clinical testing. Allele origin: germline. Affected: yes.

Breakthrough Genomics
Classification: Benign. Review status: criteria provided, single submitter. Criteria: ACMG Guidelines, 2015. Collection method: not provided. Allele origin: germline. Inheritance: Autosomal recessive inheritance. Affected: yes.